The following is an entry in ClinVar:

NM_001195263.2(PDZD7):c.168C>G (p.Arg56=)

Gene: PDZD7 (PDZ domain containing 7; minus strand). Cytogenetic location: 10q24.31.
Variant type: single nucleotide variant.
Coding change: c.168C>G on transcript NM_001195263.2 (MANE Select); coding-DNA position 168, C replaced by G.
Protein change: p.Arg56=; no amino-acid change (arginine 56 retained).
Molecular consequence: synonymous variant.
Genome position (GRCh38, 1-based): chr10:101,030,052, G>C on the plus strand (C>G on the coding strand, the complement: PDZD7 is on the minus strand). VCF-style: chr10-101030052-G-C. GRCh37 (hg19) VCF-style: chr10-102789809-G-C.
Other names: c.168C>G, p.Arg56= (NM_001351044.2, NM_024895.5).
Identifiers: ClinVar variation 736376 (VCV000736376.24), dbSNP rs143731734, ClinGen allele CA5654494.

ClinVar aggregate classification (germline): Benign/Likely benign. Review status: criteria provided, multiple submitters, no conflicts (2 of 4 stars). 4 submissions from 4 submitters: Benign (1); Likely benign (3). Last evaluated 2026-01-21.

Allele frequency attached by ClinVar (database versions not stated): gnomAD exomes 0.00069; ExAC 0.00086; gnomAD 0.00235 and 0.00251; TOPMed 0.00282; 1000 Genomes Project 30x 0.00297; 1000 Genomes Project 0.00300; ESP Exome Variant Server 0.00354.
gnomAD v4.1: 713 of 1,610,352 alleles (0.044%); highest among the groups gnomAD compares: African/African-American, 0.85%; 2 homozygotes.

Submissions (4):

Labcorp Genetics (formerly Invitae), Labcorp
Classification: Benign. Last evaluated: 2026-01-21. Review status: criteria provided, single submitter. Criteria: Invitae Variant Classification Sherloc (09022015). Collection method: clinical testing. Allele origin: germline.

CeGaT Center for Human Genetics Tuebingen
Classification: Likely benign. Last evaluated: 2025-05-01. Review status: criteria provided, single submitter. Criteria: CeGaT Center For Human Genetics Tuebingen Variant Classification Criteria Version 2. Collection method: clinical testing. Allele origin: germline. Affected: yes. Observed: 1 variant allele.
Comment: PDZD7: BP4, BP7

Blueprint Genetics
Classification: Likely benign. Last evaluated: 2024-10-10. Review status: criteria provided, single submitter. Criteria: ACMG Guidelines, 2015. Collection method: clinical testing. Allele origin: germline.

GeneDx
Classification: Likely benign. Last evaluated: 2021-08-02. Review status: criteria provided, single submitter. Criteria: GeneDx Variant Classification Process June 2021. Collection method: clinical testing. Allele origin: germline. Affected: yes.